The following is an entry in ClinVar:

NM_001330360.2(POLA1):c.1137T>C (p.His379=)

Gene: POLA1 (DNA polymerase alpha 1, catalytic subunit; plus strand). Cytogenetic location: Xp22.11.
Variant type: single nucleotide variant.
Coding change: c.1137T>C on transcript NM_001330360.2 (MANE Select); coding-DNA position 1137, T replaced by C.
Protein change: p.His379=; no amino-acid change (histidine 379 retained).
Molecular consequence: synonymous variant. On other transcripts: non-coding transcript variant (2).
Genome position (GRCh38, 1-based): chrX:24,723,204, T>C. VCF-style: chrX-24723204-T-C. GRCh37 (hg19) VCF-style: chrX-24741321-T-C.
Other names: c.1137T>C, p.His379= (NM_001378303.1); c.1119T>C, p.His373= (NM_016937.4).
Identifiers: ClinVar variation 2660196 (VCV002660196.24), dbSNP rs769278154, ClinGen allele CA10372910.
Genomic context (GRCh38, chrX:24,723,204, plus strand): 5'-TATTCTTTCAGGTGTGGTATTTCTGTTTGGGAAAGTTTGGATTGAATCAGCCGAGACCCA[T>C]GTGAGCTGTTGTGTCATGGTGAAAAATATCGAGCGAACGCTTTACTTCCTTCCCCGTGAA-3'
Protein context (NP_001317289.1, residues 369-389): GKVWIESAET[His379=]VSCCVMVKNI

ClinVar aggregate classification (germline): Likely benign (1 of 4 stars; one submission).

Allele frequency attached by ClinVar (database versions not stated): gnomAD exomes below 0.00001; ExAC 0.00001.
gnomAD v4.1: 5 of 1,207,852 alleles (0.00041%); highest among the groups gnomAD compares: Non-Finnish European, 0.00045%; no homozygotes.

Submission:

CeGaT Center for Human Genetics Tuebingen
Classification: Likely benign. Last evaluated: 2023-04-01. Review status: criteria provided, single submitter. Criteria: CeGaT Center For Human Genetics Tuebingen Variant Classification Criteria Version 2. Collection method: clinical testing. Allele origin: germline. Affected: yes. Observed: 1 variant allele.
Comment: POLA1: BP4, BP7